The following is an entry in ClinVar:

NC_000001.10:g.(?_100316579)_(100387227_?)dup

Gene: AGL (amylo-alpha-1,6-glucosidase and 4-alpha-glucanotransferase; plus strand). Cytogenetic location: 1p21.2.
Variant type: Duplication.
Identifiers: ClinVar variation 584350 (VCV000584350.4).

ClinVar aggregate classification (germline): Uncertain significance (1 of 4 stars; one submission).

Conditions:
Glycogen storage disease type III (GSD3). Also called: Cori disease; FORBES DISEASE. Identifiers: Orphanet 366, MedGen C0017922, MONDO:0009291, OMIM 232400.

Submission:

Labcorp Genetics (formerly Invitae), Labcorp
Classification: Uncertain significance for Glycogen storage disease type III. Last evaluated: 2022-08-09. Review status: criteria provided, single submitter. Criteria: Invitae Variant Classification Sherloc (09022015). Collection method: clinical testing. Allele origin: germline.
Comment: A copy number gain of the genomic region encompassing the full coding sequence of the AGL gene has been identified. The boundaries of this event are unknown as they extend beyond the assayed region for this gene and therefore may encompass additional genes. As the precise location of this event is unknown, it may be in tandem or it may be located elsewhere in the genome. This variant has not been reported in the literature in individuals affected with AGL-related conditions. In summary, the available evidence is currently insufficient to determine the role of this variant in disease. Therefore, it has been classified as a Variant of Uncertain Significance.